The following is an entry in ClinVar:

NM_005228.5(EGFR):c.1937T>G (p.Ile646Ser)

Gene: EGFR (epidermal growth factor receptor; plus strand). Cytogenetic location: 7p11.2.
Variant type: single nucleotide variant.
Coding change: c.1937T>G on transcript NM_005228.5 (MANE Select); coding-DNA position 1937, T replaced by G.
Protein change: p.Ile646Ser; replaces isoleucine 646 with serine.
Molecular consequence: missense variant.
Genome position (GRCh38, 1-based): chr7:55,173,000, T>G. VCF-style: chr7-55173000-T-G. GRCh37 (hg19) VCF-style: chr7-55240693-T-G.
Other names: c.1802T>G, p.Ile601Ser (NM_001346897.2, NM_001346899.2); c.1937T>G, p.Ile646Ser (NM_001346898.2); c.1778T>G, p.Ile593Ser (NM_001346900.2); c.1136T>G, p.Ile379Ser (NM_001346941.2); c.1937T>G (NM_005228.3); short protein forms I379S, I593S, I601S, I646S.
Identifiers: ClinVar variation 1020474 (VCV001020474.9), dbSNP rs1300062728, ClinGen allele CA367582899.

ClinVar aggregate classification (germline): Uncertain significance. Review status: criteria provided, multiple submitters, no conflicts (2 of 4 stars). 2 submissions from 2 submitters: Uncertain significance (2). Last evaluated 2026-01-20.

Conditions:
Hereditary cancer-predisposing syndrome. Also called: Tumor predisposition; Neoplastic Syndromes, Hereditary; Hereditary neoplastic syndrome; Hereditary Cancer Syndrome. Identifiers: Orphanet 140162, MedGen C0027672, MeSH D009386, MONDO:0015356.
EGFR-related lung cancer (EGFR). Identifiers: MedGen CN130014.

Allele frequency attached by ClinVar (database versions not stated): gnomAD 0.00001; TOPMed 0.00001.
gnomAD v4.1: 1 of 1,614,040 alleles (0.000062%); highest among the groups gnomAD compares: East Asian, 0.0022%; no homozygotes.

Submissions (2):

Labcorp Genetics (formerly Invitae), Labcorp
Classification: Uncertain significance for EGFR-related lung cancer. Last evaluated: 2026-01-20. Review status: criteria provided, single submitter. Criteria: Invitae Variant Classification Sherloc (09022015). Collection method: clinical testing. Allele origin: germline.
Comment: This sequence change replaces isoleucine, which is neutral and non-polar, with serine, which is neutral and polar, at codon 646 of the EGFR protein (p.Ile646Ser). This variant is not present in population databases (gnomAD no frequency). This variant has not been reported in the literature in individuals affected with EGFR-related conditions. ClinVar contains an entry for this variant (Variation ID: 1020474). Invitae Evidence Modeling of protein sequence and biophysical properties (such as structural, functional, and spatial information, amino acid conservation, physicochemical variation, residue mobility, and thermodynamic stability) indicates that this missense variant is not expected to disrupt EGFR protein function with a negative predictive value of 80%. In summary, the available evidence is currently insufficient to determine the role of this variant in disease. Therefore, it has been classified as a Variant of Uncertain Significance.

Ambry Genetics
Classification: Uncertain significance for Hereditary cancer-predisposing syndrome. Last evaluated: 2025-05-22. Review status: criteria provided, single submitter. Criteria: Ambry Variant Classification Scheme 2023. Collection method: clinical testing. Allele origin: germline.
Comment: The p.I646S variant (also known as c.1937T>G), located in coding exon 17 of the EGFR gene, results from a T to G substitution at nucleotide position 1937. The isoleucine at codon 646 is replaced by serine, an amino acid with dissimilar properties. This amino acid position is highly conserved in available vertebrate species. In addition, this alteration is predicted to be deleterious by in silico analysis. Based on the available evidence, the clinical significance of this variant remains unclear.